The following is an entry in ClinVar:

ClinVar aggregate classification (germline): Benign/Likely benign. Review status: criteria provided, multiple submitters, no conflicts (2 of 4 stars). 8 submissions from 8 submitters: Benign (4); Likely benign (3). 1 of the submissions does not count toward it. Last evaluated 2026-09-01.

Conditions:
SYNJ1-related disorder. Also called: SYNJ1-related condition.
Developmental and epileptic encephalopathy, 53. Also called: Epileptic encephalopathy, early infantile, 53. Identifiers: MedGen C4479313, MONDO:0033362, OMIM 617389.
Early-onset Parkinson disease 20. Also called: PARKINSON DISEASE 20, AUTOSOMAL RECESSIVE EARLY-ONSET. Identifiers: Orphanet 391411, MedGen C3809824, MONDO:0014233, OMIM 615530.

Allele frequency attached by ClinVar (database versions not stated): 1000 Genomes Project 0.00319; 1000 Genomes Project 30x 0.00328; gnomAD 0.00406 and 0.00411; TOPMed 0.00412; ESP Exome Variant Server 0.00431; gnomAD exomes 0.00485 and 0.00628; ExAC 0.00546.
gnomAD v4.1: 9,729 of 1,614,172 alleles (0.6%); highest among the groups gnomAD compares: Non-Finnish European, 0.71%; 40 homozygotes.

Submissions (8):

CeGaT Center for Human Genetics Tuebingen
Classification: Likely benign. Last evaluated: 2026-09-01. Review status: criteria provided, single submitter. Criteria: CeGaT Center For Human Genetics Tuebingen Variant Classification Criteria Version 2. Collection method: clinical testing. Allele origin: germline. Affected: yes. Observed: 44 variant alleles.
Comment: SYNJ1: BP4, BP7, BS2

Labcorp Genetics (formerly Invitae), Labcorp
Classification: Benign for Developmental and epileptic encephalopathy, 53; Early-onset Parkinson disease 20. Last evaluated: 2026-02-02. Review status: criteria provided, single submitter. Criteria: Invitae Variant Classification Sherloc (09022015). Collection method: clinical testing. Allele origin: germline.

ARUP Laboratories, Molecular Genetics and Genomics, ARUP Laboratories
Classification: Benign. Last evaluated: 2025-04-25. Review status: criteria provided, single submitter. Criteria: ARUP Molecular Germline Variant Investigation Process 2024. Collection method: clinical testing. Allele origin: germline.

Mayo Clinic Laboratories, Mayo Clinic
Classification: Benign. Last evaluated: 2024-09-20. Review status: criteria provided, single submitter. Criteria: ACMG Guidelines, 2015. Collection method: clinical testing. Allele origin: germline. Observed: 12 variant alleles.
Comment: BA1, BP4, BP7

GeneDx
Classification: Likely benign. Last evaluated: 2020-11-09. Review status: criteria provided, single submitter. Criteria: GeneDx Variant Classification Process June 2021. Collection method: clinical testing. Allele origin: germline. Affected: yes.

Athena Diagnostics
Classification: Benign. Last evaluated: 2018-04-10. Review status: criteria provided, single submitter. Criteria: Athena Diagnostics Criteria. Collection method: clinical testing. Allele origin: germline.

Breakthrough Genomics
Classification: Likely benign. Review status: criteria provided, single submitter. Criteria: ACMG Guidelines, 2015. Collection method: not provided. Allele origin: germline. Inheritance: Autosomal recessive inheritance. Affected: yes.

PreventionGenetics, part of Exact Sciences
Classification: Benign for SYNJ1-related condition. Last evaluated: 2019-12-18. Review status: no assertion criteria provided. Collection method: clinical testing. Allele origin: germline. Not counted in ClinVar's aggregate classification.
Comment: This variant is classified as benign based on ACMG/AMP sequence variant interpretation guidelines (Richards et al. 2015 PMID: 25741868, with internal and published modifications).

Literature cited by the submitters: PubMed 24609975 (cited by Mayo Clinic Laboratories, Mayo Clinic and Athena Diagnostics).

NM_203446.3(SYNJ1):c.573A>G (p.Thr191=)

Gene: SYNJ1 (synaptojanin 1; minus strand). Cytogenetic location: 21q22.11.
Variant type: single nucleotide variant.
Coding change: c.573A>G on transcript NM_203446.3 (MANE Select); coding-DNA position 573, A replaced by G.
Protein change: p.Thr191=; no amino-acid change (threonine 191 retained).
Molecular consequence: synonymous variant.
Genome position (GRCh38, 1-based): chr21:32,695,189, T>C on the plus strand (A>G on the coding strand, the complement: SYNJ1 is on the minus strand). VCF-style: chr21-32695189-T-C. GRCh37 (hg19) VCF-style: chr21-34067499-T-C.
Other names: p.Thr230=; c.690A>G, p.Thr230= (NM_003895.4); c.573A>G, p.Thr191= (NM_001160302.2, NM_001160306.2).
Identifiers: ClinVar variation 478365 (VCV000478365.52), dbSNP rs61756694, ClinGen allele CA10004106.